The following is an entry in ClinVar:

ClinVar aggregate classification (germline): Likely benign. Review status: criteria provided, multiple submitters, no conflicts (2 of 4 stars). 2 submissions from 2 submitters: Likely benign (2). Last evaluated 2018-01-13.

Conditions:
Generalized pustular psoriasis. Identifiers: Orphanet 247353, MedGen C0343055, MONDO:0100491.

Allele frequency attached by ClinVar (database versions not stated): gnomAD exomes 0.00137; gnomAD 0.01172 and 0.01255; 1000 Genomes Project 0.01178; TOPMed 0.01306; 1000 Genomes Project 30x 0.01312.
gnomAD v4.1: 2,121 of 402,278 alleles (0.53%); highest among the groups gnomAD compares: African/African-American, 4%; 41 homozygotes.

Submissions (2):

Illumina Laboratory Services, Illumina
Classification: Likely benign for Acrodermatitis continua suppurativa of Hallopeau. Last evaluated: 2018-01-13. Review status: criteria provided, single submitter. Criteria: ICSL Variant Classification Criteria 13 December 2019. Collection method: clinical testing. Allele origin: germline.
Comment: This variant was observed in the ICSL laboratory as part of a predisposition screen in an ostensibly healthy population. It had not been previously curated by ICSL or reported in the Human Gene Mutation Database (HGMD: prior to June 1st, 2018), and was therefore a candidate for classification through an automated scoring system. Utilizing variant allele frequency, disease prevalence and penetrance estimates, and inheritance mode, an automated score was calculated to assess if this variant is too frequent to cause the disease. Based on the score and internal cut-off values, a variant classified as likely benign is not then subjected to further curation. The score for this variant resulted in a classification of likely benign for this disease.

Breakthrough Genomics
Classification: Likely benign. Review status: criteria provided, single submitter. Criteria: ACMG Guidelines, 2015. Collection method: not provided. Allele origin: germline. Inheritance: Autosomal recessive inheritance. Affected: yes.

NM_012275.3(IL36RN):c.*308T>G

Gene: IL36RN (interleukin 36 receptor antagonist; plus strand). Cytogenetic location: 2q14.1.
Variant type: single nucleotide variant.
Coding change: c.*308T>G on transcript NM_012275.3 (MANE Select); 308 bases downstream of the stop codon, T replaced by G.
Molecular consequence: 3 prime UTR variant.
Genome position (GRCh38, 1-based): chr2:113,062,985, T>G. VCF-style: chr2-113062985-T-G. GRCh37 (hg19) VCF-style: chr2-113820562-T-G.
Other names: c.*308T>G (NM_173170.1).
Identifiers: ClinVar variation 330786 (VCV000330786.6), dbSNP rs114200724, ClinGen allele CA10611014.